The following is an entry in ClinVar:

ClinVar aggregate classification (germline): Uncertain significance. Review status: criteria provided, multiple submitters, no conflicts (2 of 4 stars). 2 submissions from 2 submitters: Uncertain significance (2). Last evaluated 2025-05-05.

Allele frequency attached by ClinVar (database versions not stated): gnomAD 0.00001; gnomAD exomes 0.00002; TOPMed 0.00002; ESP Exome Variant Server 0.00008; ExAC 0.00014.
gnomAD v4.1: 31 of 1,566,880 alleles (0.002%); highest among the groups gnomAD compares: Middle Eastern, 0.023%; no homozygotes.

Submissions (2):

Labcorp Genetics (formerly Invitae), Labcorp
Classification: Uncertain significance. Last evaluated: 2025-05-05. Review status: criteria provided, single submitter. Criteria: Invitae Variant Classification Sherloc (09022015). Collection method: clinical testing. Allele origin: germline.
Comment: This sequence change replaces glycine, which is neutral and non-polar, with arginine, which is basic and polar, at codon 535 of the FCHO1 protein (p.Gly535Arg). The frequency data for this variant in the population databases is considered unreliable, as metrics indicate poor data quality at this position in the gnomAD database. This variant has not been reported in the literature in individuals affected with FCHO1-related conditions. ClinVar contains an entry for this variant (Variation ID: 2196068). An algorithm developed to predict the effect of missense changes on protein structure and function outputs the following: PolyPhen-2: "Probably Damaging". The arginine amino acid residue is found in multiple mammalian species, which suggests that this missense change does not adversely affect protein function. In summary, the available evidence is currently insufficient to determine the role of this variant in disease. Therefore, it has been classified as a Variant of Uncertain Significance.

Ambry Genetics
Classification: Uncertain significance. Last evaluated: 2021-09-27. Review status: criteria provided, single submitter. Criteria: Ambry Variant Classification Scheme 2023. Collection method: clinical testing. Allele origin: germline.

NM_015122.3(FCHO1):c.1603G>A (p.Gly535Arg)

Gene: FCHO1 (FCH and mu domain containing endocytic adaptor 1; plus strand). Cytogenetic location: 19p13.11.
Variant type: single nucleotide variant.
Coding change: c.1603G>A on transcript NM_015122.3 (MANE Select); coding-DNA position 1603, G replaced by A.
Protein change: p.Gly535Arg; replaces glycine 535 with arginine.
Molecular consequence: missense variant. On other transcripts: non-coding transcript variant (14), intron variant (11).
Genome position (GRCh38, 1-based): chr19:17,778,860, G>A. VCF-style: chr19-17778860-G-A. GRCh37 (hg19) VCF-style: chr19-17889669-G-A.
Other names: c.1603G>A (NM_001161357.1); c.1603G>A, p.Gly535Arg (NM_001161357.2, NM_001161358.2, NM_001384370.1 and 13 more transcripts); c.1453G>A, p.Gly485Arg (NM_001161359.2, NM_001384384.1, NM_001384385.1 and 1 more transcripts); c.1564G>A, p.Gly522Arg (NM_001384388.1, NM_001384389.1, NM_001384405.1); c.1528G>A, p.Gly510Arg (NM_001384390.1); c.1486G>A, p.Gly496Arg (NM_001384392.1, NM_001384393.1, NM_001384394.1 and 1 more transcripts); c.1351+632G>A (NM_001384396.1, NM_001384404.1, NM_001384398.1 and 5 more transcripts); c.1201+632G>A (NM_001384406.1); and 2 more; short protein forms G510R, G485R, G522R, G496R, G535R.
Identifiers: ClinVar variation 2196068 (VCV002196068.4), dbSNP rs375700835, ClinGen allele CA9300546.